The following is an entry in ClinVar:

ClinVar aggregate classification (germline): Uncertain significance (1 of 4 stars; one submission).

Conditions:
Inborn genetic diseases. Identifiers: MedGen C0950123, MeSH D030342.

Submission:

Ambry Genetics
Classification: Uncertain significance for Inborn genetic diseases. Last evaluated: 2022-11-02. Review status: criteria provided, single submitter. Criteria: Ambry Variant Classification Scheme 2023. Collection method: clinical testing. Allele origin: germline.
Comment: The p.G155E variant (also known as c.464G>A), located in coding exon 5 of the RAD51 gene, results from a G to A substitution at nucleotide position 464. The glycine at codon 155 is replaced by glutamic acid, an amino acid with similar properties. This amino acid position is conserved. In addition, this alteration is predicted to be deleterious by in silico analysis. Since supporting evidence is limited at this time, the clinical significance of this alteration remains unclear.

NM_002875.5(RAD51):c.464G>A (p.Gly155Glu)

Gene: RAD51 (RAD51 recombinase; plus strand). Cytogenetic location: 15q15.1.
Variant type: single nucleotide variant.
Coding change: c.464G>A on transcript NM_002875.5 (MANE Select); coding-DNA position 464, G replaced by A.
Protein change: p.Gly155Glu; replaces glycine 155 with glutamic acid.
Molecular consequence: missense variant.
Genome position (GRCh38, 1-based): chr15:40,718,833, G>A. VCF-style: chr15-40718833-G-A. GRCh37 (hg19) VCF-style: chr15-41011031-G-A.
Other names: c.467G>A, p.Gly156Glu (NM_001164269.2, NM_133487.4); c.464G>A, p.Gly155Glu (NM_001164270.2); short protein forms G156E, G155E.
Identifiers: ClinVar variation 2450849 (VCV002450849.2), dbSNP rs2504485859, ClinGen allele CA391753340.